The following is an entry in ClinVar:

NM_000524.4(HTR1A):c.1015dup (p.Arg339fs)

Gene: HTR1A (5-hydroxytryptamine receptor 1A; minus strand). Cytogenetic location: 5q12.3.
Variant type: Duplication.
Coding change: c.1015dup on transcript NM_000524.4 (MANE Select); coding-DNA position 1015, one base duplicated (C; older notation c.1015dupC).
Protein change: p.Arg339fs; shifts the reading frame from arginine 339.
Molecular consequence: frameshift variant.
Genome position (GRCh38, 1-based): chr5:63,960,705, G duplicated on the plus strand (C on the coding strand, the reverse complement: HTR1A is on the minus strand); the first of 3 consecutive G bases (chr5:63,960,705-63,960,707); duplicating any one gives the same sequence. VCF-style (leftmost placement, unchanged base first): chr5-63960704-C-CG. GRCh37 (hg19) VCF-style: chr5-63256531-C-CG.
Other names: short protein forms R339fs.
Identifiers: ClinVar variation 3026222 (VCV003026222.22), dbSNP rs2530978546, ClinGen allele CA2740091735.

ClinVar aggregate classification (germline): Uncertain significance (1 of 4 stars; one submission).

Submission:

CeGaT Center for Human Genetics Tuebingen
Classification: Uncertain significance. Last evaluated: 2024-01-01. Review status: criteria provided, single submitter. Criteria: CeGaT Center For Human Genetics Tuebingen Variant Classification Criteria Version 2. Collection method: clinical testing. Allele origin: germline. Affected: yes. Observed: 1 variant allele.
Comment: HTR1A: PM2